The following is an entry in ClinVar:

ClinVar aggregate classification (germline): Conflicting classifications of pathogenicity. Review status: criteria provided, conflicting classifications (1 of 4 stars). 4 submissions from 4 submitters: Uncertain significance (3); Likely benign (1). Last evaluated 2026-07-07.

Conditions:
Hereditary cancer-predisposing syndrome. Also called: Hereditary Cancer Syndrome; Tumor predisposition; Hereditary neoplastic syndrome; Neoplastic Syndromes, Hereditary. Identifiers: Orphanet 140162, MedGen C0027672, MeSH D009386, MONDO:0015356.
Intellectual disability, autosomal dominant 16 (CSS4). Also called: COFFIN-SIRIS SYNDROME 4. Identifiers: Orphanet 1465, MedGen C3553249, MONDO:0013821, OMIM 614609.
Rhabdoid tumor predisposition syndrome 2 (RTPS2). Identifiers: Orphanet 231108, Orphanet 69077, MedGen C2750074, MONDO:0013224, OMIM 613325.

Allele frequency attached by ClinVar (database versions not stated): TOPMed 0.00001; gnomAD exomes 0.00001; gnomAD 0.00001; ESP Exome Variant Server 0.00008.
gnomAD v4.1: 6 of 1,614,038 alleles (0.00037%); highest among the groups gnomAD compares: Non-Finnish European, 0.00051%; no homozygotes.

Submissions (4):

Myriad Genetics, Inc.
Classification: Likely benign for Rhabdoid tumor predisposition syndrome 2. Last evaluated: 2026-07-07. Review status: criteria provided, single submitter. Criteria: Myriad Autosomal Dominant, Autosomal Recessive and X-Linked Classification Criteria (2023). Collection method: clinical testing. Allele origin: unknown.
Comment: This variant is considered likely benign. This variant has been observed at a population frequency that is significantly greater than expected given the associated disease prevalence and penetrance.

Ambry Genetics
Classification: Uncertain significance for Hereditary cancer-predisposing syndrome. Last evaluated: 2026-03-19. Review status: criteria provided, single submitter. Criteria: Ambry Variant Classification Scheme 2023. Collection method: clinical testing. Allele origin: germline.
Comment: The p.G661D variant (also known as c.1982G>A), located in coding exon 12 of the SMARCA4 gene, results from a G to A substitution at nucleotide position 1982. The glycine at codon 661 is replaced by aspartic acid, an amino acid with similar properties. This variant was detected as heterozygous in individual(s) with no reported features of Coffin-Siris syndrome (Ambry internal data). This amino acid position is well conserved in available vertebrate species. In addition, this alteration is predicted to be tolerated by in silico analysis. Missense and in-frame variants in SMARCA4 are known to cause neurodevelopmental disorders; however, such associations with rhabdoid tumor predisposition syndrome including small cell carcinoma of the ovary-hypercalcemic type (SCCOHT) are exceedingly rare (Kosho T et al. Am J Med Genet C Semin Med Genet. 2014 Sep;166C(3):262-75; Jelinic P et al. Nat Genet. 2014 May;46(5):424-6). Based on the majority of available evidence to date, this variant is unlikely to be pathogenic.

Labcorp Genetics (formerly Invitae), Labcorp
Classification: Uncertain significance for Rhabdoid tumor predisposition syndrome 2. Last evaluated: 2025-04-22. Review status: criteria provided, single submitter. Criteria: Invitae Variant Classification Sherloc (09022015). Collection method: clinical testing. Allele origin: germline.
Comment: This sequence change replaces glycine, which is neutral and non-polar, with aspartic acid, which is acidic and polar, at codon 661 of the SMARCA4 protein (p.Gly661Asp). This variant is present in population databases (rs367689657, gnomAD 0.002%). This variant has not been reported in the literature in individuals affected with SMARCA4-related conditions. ClinVar contains an entry for this variant (Variation ID: 238385). An algorithm developed to predict the effect of missense changes on protein structure and function (PolyPhen-2) suggests that this variant is likely to be tolerated. In summary, the available evidence is currently insufficient to determine the role of this variant in disease. Therefore, it has been classified as a Variant of Uncertain Significance.

Genome-Nilou Lab
Classification: Uncertain significance for Intellectual disability, autosomal dominant 16. Last evaluated: 2021-07-15. Review status: criteria provided, single submitter. Criteria: ACMG Guidelines, 2015. Collection method: clinical testing. Allele origin: germline. Affected: no.

NM_003072.5(SMARCA4):c.1982G>A (p.Gly661Asp)

Gene: SMARCA4 (SWI/SNF related BAF chromatin remodeling complex subunit ATPase 4; plus strand). Cytogenetic location: 19p13.2.
Variant type: single nucleotide variant.
Coding change: c.1982G>A on transcript NM_003072.5 (MANE Select); coding-DNA position 1982, G replaced by A.
Protein change: p.Gly661Asp; replaces glycine 661 with aspartic acid.
Molecular consequence: missense variant. On other transcripts: non-coding transcript variant (1).
Genome position (GRCh38, 1-based): chr19:11,003,378, G>A. VCF-style: chr19-11003378-G-A. GRCh37 (hg19) VCF-style: chr19-11114054-G-A.
Other names: c.1982G>A, p.Gly661Asp (NM_001128844.3, NM_001128845.2, NM_001128846.2 and 5 more transcripts); short protein forms G661D.
Identifiers: ClinVar variation 238385 (VCV000238385.21), dbSNP rs367689657, ClinGen allele CA10583735.